The following is an entry in ClinVar:

NM_000379.4(XDH):c.3920G>A (p.Arg1307His)

Gene: XDH (xanthine dehydrogenase; minus strand). Cytogenetic location: 2p23.1.
Variant type: single nucleotide variant.
Coding change: c.3920G>A on transcript NM_000379.4 (MANE Select); coding-DNA position 3920, G replaced by A.
Protein change: p.Arg1307His; replaces arginine 1307 with histidine.
Molecular consequence: missense variant.
Genome position (GRCh38, 1-based): chr2:31,337,672, C>T on the plus strand (G>A on the coding strand, the complement: XDH is on the minus strand). VCF-style: chr2-31337672-C-T. GRCh37 (hg19) VCF-style: chr2-31560538-C-T.
Other names: c.3920G>A (NM_000379.3); short protein forms R1307H.
Identifiers: ClinVar variation 1563275 (VCV001563275.11), dbSNP rs138249576, ClinGen allele CA1598216.

ClinVar aggregate classification (germline): Conflicting classifications of pathogenicity. Review status: criteria provided, conflicting classifications (1 of 4 stars). 3 submissions from 3 submitters: Uncertain significance (1); Likely benign (1). 1 of the submissions does not count toward it. Last evaluated 2025-12-15.

Conditions:
Xanthinuria type II. Also called: Xanthine dehydrogenase and aldehyde oxidase combined deficiency of; XDH and AOX dual deficiency. Identifiers: Orphanet 3467, Orphanet 93602, MedGen C1863688, MONDO:0011346, OMIM 603592.
Inborn genetic diseases. Identifiers: MedGen C0950123, MeSH D030342.
XDH-related disorder. Also called: XDH-related condition.

Allele frequency attached by ClinVar (database versions not stated): gnomAD exomes 0.00020; ExAC 0.00025; ESP Exome Variant Server 0.00077.
gnomAD v4.1: 244 of 1,614,152 alleles (0.015%); highest among the groups gnomAD compares: African/African-American, 0.3%; no homozygotes.

Submissions (3):

Labcorp Genetics (formerly Invitae), Labcorp
Classification: Likely benign for Xanthinuria type II. Last evaluated: 2025-12-15. Review status: criteria provided, single submitter. Criteria: Invitae Variant Classification Sherloc (09022015). Collection method: clinical testing. Allele origin: germline.

Ambry Genetics
Classification: Uncertain significance for Inborn genetic diseases. Last evaluated: 2024-06-11. Review status: criteria provided, single submitter. Criteria: Ambry Variant Classification Scheme 2023. Collection method: clinical testing. Allele origin: germline.

PreventionGenetics, part of Exact Sciences
Classification: Uncertain significance for XDH-related condition. Last evaluated: 2023-12-12. Review status: no assertion criteria provided. Collection method: clinical testing. Allele origin: germline. Not counted in ClinVar's aggregate classification.
Comment: The XDH c.3920G>A variant is predicted to result in the amino acid substitution p.Arg1307His. To our knowledge, this variant has not been reported in the literature. This variant is reported in 0.31% of alleles in individuals of African descent in gnomAD, which may be high to be an undocumented cause of disease. Although we suspect that this variant may be benign, at this time, the clinical significance of this variant is uncertain due to the absence of conclusive functional and genetic evidence.